The following is an entry in ClinVar:

ClinVar aggregate classification (germline): Uncertain significance (1 of 4 stars; one submission).

Allele frequency attached by ClinVar (database versions not stated): TOPMed 0.00003.
gnomAD v4.1: 7 of 1,536,840 alleles (0.00046%); highest among the groups gnomAD compares: Admixed American, 0.014%; no homozygotes.

Submission:

Ambry Genetics
Classification: Uncertain significance. Last evaluated: 2023-09-21. Review status: criteria provided, single submitter. Criteria: Ambry Variant Classification Scheme 2023. Collection method: clinical testing. Allele origin: germline.
Comment: The c.41T>C (p.F14S) alteration is located in exon (coding exon ) of the USP40 gene. This alteration results from a T to C substitution at nucleotide position 41, causing the phenylalanine (F) at amino acid position 14 to be replaced by a serine (S). Based on insufficient or conflicting evidence, the clinical significance of this alteration remains unclear.

NM_001365479.2(USP40):c.5T>C (p.Phe2Ser)

Gene: USP40 (ubiquitin specific peptidase 40; minus strand). Cytogenetic location: 2q37.1.
Variant type: single nucleotide variant.
Coding change: c.5T>C on transcript NM_001365479.2 (MANE Select); coding-DNA position 5, T replaced by C.
Protein change: p.Phe2Ser; replaces phenylalanine 2 with serine.
Molecular consequence: missense variant. On other transcripts: non-coding transcript variant (6).
Genome position (GRCh38, 1-based): chr2:233,565,550, A>G on the plus strand (T>C on the coding strand, the complement: USP40 is on the minus strand). VCF-style: chr2-233565550-A-G. GRCh37 (hg19) VCF-style: chr2-234474196-A-G.
Other names: c.5T>C, p.Phe2Ser (NM_001382298.1, NM_001382299.1, NM_001382300.1 and 6 more transcripts); short protein forms F2S.
Identifiers: ClinVar variation 3187608 (VCV003187608.1), dbSNP rs966808846, ClinGen allele CA67571837.